The following is an entry in ClinVar:

NM_004385.5(VCAN):c.9265G>C (p.Gly3089Arg)

Genes: VCAN (versican; plus strand), VCAN-AS1 (VCAN antisense RNA 1; minus strand). Cytogenetic location: 5q14.3.
Variant type: single nucleotide variant.
Coding change: c.9265G>C on transcript NM_004385.5 (MANE Select); coding-DNA position 9265, G replaced by C.
Protein change: p.Gly3089Arg; replaces glycine 3089 with arginine.
Molecular consequence: missense variant. On other transcripts: intron variant (2).
Genome position (GRCh38, 1-based): chr5:83,542,268, G>C. VCF-style: chr5-83542268-G-C. GRCh37 (hg19) VCF-style: chr5-82838087-G-C.
Other names: c.6304G>C, p.Gly2102Arg (NM_001164097.2); c.4004-3269G>C (NM_001164098.2); c.1043-3269G>C (NM_001126336.3); short protein forms G2102R, G3089R.
Identifiers: ClinVar variation 3255113 (VCV003255113.1), dbSNP rs2479126945.

ClinVar aggregate classification (germline): Likely pathogenic (1 of 4 stars; one submission).

Conditions:
Wagner disease. Also called: WAGNER SYNDROME 1; HYALOIDEORETINAL DEGENERATION OF WAGNER; WAGNER VITREORETINAL DEGENERATION; Wagner syndrome; WAGNER VITREORETINOPATHY; Wagner Vitreoretinal Degeneration (Wagner Synrdome). Identifiers: Orphanet 898, MedGen C1840452, MONDO:0007740, OMIM 143200.

Submission:

Victorian Clinical Genetics Services, Murdoch Childrens Research Institute
Classification: Likely pathogenic for Wagner disease. Last evaluated: 2023-07-17. Review status: criteria provided, single submitter. Criteria: ACMG Guidelines, 2015. Collection method: clinical testing. Allele origin: germline. Inheritance: Autosomal dominant inheritance. Affected: yes.
Comment: Based on the classification scheme VCGS_Germline_v1.3.4, this variant is classified as Likely Pathogenic. Following criteria are met: 0102 - Loss of function is a known mechanism of disease in this gene and is associated with Wagner syndrome-1 (MIM#143200). (I) 0107 - This gene is associated with autosomal dominant disease. (I) 0200 - Variant is predicted to result in a missense amino acid change from glycine to arginine. However, this variant is located at the last nucleotide of the exon and may have a splicing effect. (I) 0251 - This variant is heterozygous. (I) 0301 - Variant is absent from gnomAD (both v2 and v3). (SP) 0501 - Missense variant consistently predicted to be damaging by multiple in silico tools or highly conserved with a major amino acid change. (SP) 0604 - Variant is not located in an established domain, motif, hotspot or informative constraint region. (I) 0705 - No comparable missense variants have previous evidence for pathogenicity. (I) 0803 - This variant has limited previous evidence of pathogenicity in an unrelated individual. This variant was observed in a heterozygous individual with Wagner syndrome (PMID: 32818279). (SP) 0905 - No published segregation evidence has been identified for this variant. (I) 1007 - No published functional evidence has been identified for this variant. (I) 1102 - Strong phenotype match for this individual. (I) Legend: (SP) - Supporting pathogenic, (I) - Information, (SB) - Supporting benign

Literature cited by the submitters: PubMed 32818279.